The following is an entry in ClinVar:

ClinVar aggregate classification (germline): Pathogenic (1 of 4 stars; one submission).

Conditions:
Primary ciliary dyskinesia. Also called: Ciliary dyskinesia. Identifiers: Orphanet 244, MedGen C0008780, MONDO:0016575, HP:0012265.

Submission:

Labcorp Genetics (formerly Invitae), Labcorp
Classification: Pathogenic for Primary ciliary dyskinesia. Last evaluated: 2023-09-26. Review status: criteria provided, single submitter. Criteria: Invitae Variant Classification Sherloc (09022015). Collection method: clinical testing. Allele origin: unknown.
Comment: This variant is a gross deletion of the genomic region encompassing exon(s) 1-2 of the CCDC39 gene, which includes the initiator codon. This deletion extends beyond the assayed region for this gene and therefore may encompass additional genes. It is expected to result in an absent or disrupted protein product. Loss-of-function variants in CCDC39 are known to be pathogenic (PMID: 21131972, 23255504). This variant has not been reported in the literature in individuals affected with CCDC39-related conditions. For these reasons, this variant has been classified as Pathogenic.

Literature cited by the submitters: PubMed 21131972; PubMed 23255504.

NC_000003.11:g.(?_180381635)_(180397168_?)del

Gene: CCDC39 (coiled-coil domain 39 molecular ruler complex subunit; minus strand). Cytogenetic location: 3q26.33.
Variant type: Deletion.
Identifiers: ClinVar variation 3246788 (VCV003246788.1).